The following is an entry in ClinVar:

NM_014484.5(MOCS3):c.1102C>T (p.Pro368Ser)

Gene: MOCS3 (molybdenum cofactor synthesis 3; plus strand). Cytogenetic location: 20q13.13.
Variant type: single nucleotide variant.
Coding change: c.1102C>T on transcript NM_014484.5 (MANE Select); coding-DNA position 1102, C replaced by T.
Protein change: p.Pro368Ser; replaces proline 368 with serine.
Molecular consequence: missense variant.
Genome position (GRCh38, 1-based): chr20:50,959,944, C>T. VCF-style: chr20-50959944-C-T. GRCh37 (hg19) VCF-style: chr20-49576481-C-T.
Other names: short protein forms P368S.
Identifiers: ClinVar variation 1713395 (VCV001713395.5), dbSNP rs2515744990, ClinGen allele CA408986403.
Genomic context (GRCh38, chr20:50,959,944, plus strand): 5'-GGGGCATTCCACCTGTTGCTGGACGTCAGGCCTCAGGTGGAGGTGGACATTTGTCGTTTG[C>T]CTCATGCCCTACACATCCCTCTGAAACATTTGGAACGCAGGGATGCGGAGAGCCTGAAAC-3'
Protein context (NP_055299.1, residues 358-378): PQVEVDICRL[Pro368Ser]HALHIPLKHL

ClinVar aggregate classification (germline): Uncertain significance (1 of 4 stars; one submission).

Allele frequency attached by ClinVar (database versions not stated): gnomAD exomes below 0.00001.

Submission:

Labcorp Genetics (formerly Invitae), Labcorp
Classification: Uncertain significance. Last evaluated: 2022-09-12. Review status: criteria provided, single submitter. Criteria: Invitae Variant Classification Sherloc (09022015). Collection method: clinical testing. Allele origin: germline.
Comment: In summary, the available evidence is currently insufficient to determine the role of this variant in disease. Therefore, it has been classified as a Variant of Uncertain Significance. Algorithms developed to predict the effect of missense changes on protein structure and function (SIFT, PolyPhen-2, Align-GVGD) all suggest that this variant is likely to be tolerated. This variant has not been reported in the literature in individuals affected with MOCS3-related conditions. This variant is not present in population databases (gnomAD no frequency). This sequence change replaces proline, which is neutral and non-polar, with serine, which is neutral and polar, at codon 368 of the MOCS3 protein (p.Pro368Ser).